The following is an entry in ClinVar:

ClinVar aggregate classification (germline): Benign. Review status: criteria provided, multiple submitters, no conflicts (2 of 4 stars). 2 submissions from 2 submitters: Benign (2). Last evaluated 2018-01-12.

Conditions:
Xeroderma pigmentosum, group F (XPF). Also called: XERODERMA PIGMENTOSUM, COMPLEMENTATION GROUP F; XERODERMA PIGMENTOSUM VI; XP, GROUP F; ERCC4-Related Xeroderma Pigmentosum; XERODERMA PIGMENTOSUM, TYPE F; Xeroderma pigmentosum, type 6. Identifiers: MedGen C0268140, MONDO:0010215, OMIM 278760.

Allele frequency attached by ClinVar (database versions not stated): 1000 Genomes Project 0.03135; 1000 Genomes Project 30x 0.03201; gnomAD exomes 0.04196; TOPMed 0.04341.
gnomAD v4.1: 8,413 of 186,788 alleles (4.5%); highest among the groups gnomAD compares: Middle Eastern, 6.8%; 252 homozygotes.

Submissions (2):

Illumina Laboratory Services, Illumina
Classification: Benign for Xeroderma pigmentosum, group F. Last evaluated: 2018-01-12. Review status: criteria provided, single submitter. Criteria: ICSL Variant Classification Criteria 13 December 2019. Collection method: clinical testing. Allele origin: germline.
Comment: This variant was observed in the ICSL laboratory as part of a predisposition screen in an ostensibly healthy population. It had not been previously curated by ICSL or reported in the Human Gene Mutation Database (HGMD: prior to June 1st, 2018), and was therefore a candidate for classification through an automated scoring system. Utilizing variant allele frequency, disease prevalence and penetrance estimates, and inheritance mode, an automated score was calculated to assess if this variant is too frequent to cause the disease. Based on the score and internal cut-off values, a variant classified as benign is not then subjected to further curation. The score for this variant resulted in a classification of benign for this disease.

Breakthrough Genomics
Classification: Benign. Review status: criteria provided, single submitter. Criteria: ACMG Guidelines, 2015. Collection method: not provided. Allele origin: germline. Inheritance: Autosomal recessive inheritance. Affected: yes.

NM_005236.3(ERCC4):c.*3913G>C

Gene: ERCC4 (ERCC excision repair 4, endonuclease catalytic subunit; plus strand). Cytogenetic location: 16p13.12.
Variant type: single nucleotide variant.
Coding change: c.*3913G>C on transcript NM_005236.3 (MANE Select); 3913 bases downstream of the stop codon, G replaced by C.
Molecular consequence: 3 prime UTR variant.
Genome position (GRCh38, 1-based): chr16:13,952,260, G>C. VCF-style: chr16-13952260-G-C. GRCh37 (hg19) VCF-style: chr16-14046117-G-C.
Identifiers: ClinVar variation 317878 (VCV000317878.6), dbSNP rs112259692, ClinGen allele CA10637097.